The following is an entry in ClinVar:

NM_000090.4(COL3A1):c.1867A>G (p.Thr623Ala)

Gene: COL3A1 (collagen type III alpha 1 chain; plus strand). Cytogenetic location: 2q32.2.
Variant type: single nucleotide variant.
Coding change: c.1867A>G on transcript NM_000090.4 (MANE Select); coding-DNA position 1867, A replaced by G.
Protein change: p.Thr623Ala; replaces threonine 623 with alanine.
Molecular consequence: missense variant.
Genome position (GRCh38, 1-based): chr2:188,997,387, A>G. VCF-style: chr2-188997387-A-G. GRCh37 (hg19) VCF-style: chr2-189862113-A-G.
Other names: short protein forms T623A.
Identifiers: ClinVar variation 2586762 (VCV002586762.3), dbSNP rs2469138324, ClinGen allele CA349853573.

ClinVar aggregate classification (germline): Uncertain significance. Review status: criteria provided, multiple submitters, no conflicts (2 of 4 stars). 2 submissions from 2 submitters: Uncertain significance (2). Last evaluated 2023-12-13.

Conditions:
Ehlers-Danlos syndrome, type 4 (EDSVASC). Also called: Ehlers-Danlos syndrome vascular type; Ehlers Danlos syndrome, ecchymotic type; Ehlers Danlos syndrome, arterial type; Ehlers Danlos syndrome, Sack-Barabas type; Ehlers-Danlos Syndrome Type IV. Identifiers: Orphanet 286, MedGen C0268338, MONDO:0017314, OMIM 130050.
Familial thoracic aortic aneurysm and aortic dissection (TAAD). Also called: Thoracic aortic aneurysms and dissections. Identifiers: Orphanet 91387, MedGen C4707243, MONDO:0019625.

Allele frequency attached by ClinVar (database versions not stated): gnomAD exomes below 0.00001.

Submissions (2):

All of Us Research Program, National Institutes of Health
Classification: Uncertain significance for Ehlers-Danlos syndrome, type 4. Last evaluated: 2023-12-13. Review status: criteria provided, single submitter. Criteria: ACMG Guidelines, 2015. Collection method: clinical testing. Allele origin: germline. Inheritance: Autosomal dominant inheritance. Observed: 1 variant allele, 1 heterozygote.
Comment: This missense variant replaces threonine with alanine at codon 623 of the COL3A1 protein. Computational prediction suggests that this variant may not impact protein structure and function (internally defined REVEL score threshold <= 0.5, PMID: 27666373). To our knowledge, functional studies have not been reported for this variant. This variant has not been reported in individuals affected with COL3A1-related disorders in the literature. This variant has not been identified in the general population by the Genome Aggregation Database (gnomAD). The available evidence is insufficient to determine the role of this variant in disease conclusively. Therefore, this variant is classified as a Variant of Uncertain Significance.

This study involves interpretation of variants in research participants for the purpose of population health screening. Participant phenotype was not available at the time of variant classification. Additional details can be found in publication PMID: 35346344, PMCID: PMC8962531

Ambry Genetics
Classification: Uncertain significance for Familial thoracic aortic aneurysm and aortic dissection. Last evaluated: 2023-07-24. Review status: criteria provided, single submitter. Criteria: Ambry Variant Classification Scheme 2023. Collection method: clinical testing. Allele origin: germline.
Comment: The p.T623A variant (also known as c.1867A>G), located in coding exon 26 of the COL3A1 gene, results from an A to G substitution at nucleotide position 1867. The threonine at codon 623 is replaced by alanine, an amino acid with similar properties. This amino acid position is not well conserved in available vertebrate species. In addition, this alteration is predicted to be tolerated by in silico analysis. Since supporting evidence is limited at this time, the clinical significance of this alteration remains unclear.